The following is an entry in ClinVar:

NM_025114.4(CEP290):c.832_852+19del

Gene: CEP290 (centrosomal protein 290; minus strand). Cytogenetic location: 12q21.32.
Variant type: Deletion.
Coding change: c.832_852+19del on transcript NM_025114.4 (MANE Select); coding-DNA position 832 through 19 bases into the intron after coding-DNA position 852, 40 bases deleted.
Molecular consequence: splice donor variant.
Genome position (GRCh38, 1-based): chr12:88,129,675-88,129,714, 40 bases deleted; deleting any 40 consecutive bases within chr12:88,129,675-88,129,718 gives the same sequence; the c. name uses the placement nearest the transcript's 3' end. GRCh37 (hg19): chr12:88,523,456-88,523,495.
Identifiers: ClinVar variation 1066679 (VCV001066679.11), dbSNP rs2138082472, ClinGen allele CA2499221901.

ClinVar aggregate classification (germline): Conflicting classifications of pathogenicity. Review status: criteria provided, conflicting classifications (1 of 4 stars). 2 submissions from 2 submitters: Likely pathogenic (1); Uncertain significance (1). Last evaluated 2023-10-03.

Conditions:
Nephronophthisis. Also called: Juvenile Nephronophthisis. Identifiers: MedGen C0687120, MONDO:0019005, HP:0000090, Orphanet 655.
Joubert syndrome. Also called: JOUBERT-BOLTSHAUSER SYNDROME; Familial aplasia of the vermis. Identifiers: Orphanet 475, MedGen C5979921, MONDO:0018772.
Meckel-Gruber syndrome. Also called: DYSENCEPHALIA SPLANCHNOCYSTICA; GRUBER SYNDROME; Dysencephalia splachnocystica. Identifiers: Orphanet 564, MedGen C0265215, MONDO:0018921.

Submissions (2):

Labcorp Genetics (formerly Invitae), Labcorp
Classification: Likely pathogenic for Joubert syndrome; Meckel-Gruber syndrome; Nephronophthisis. Last evaluated: 2023-10-03. Review status: criteria provided, single submitter. Criteria: Invitae Variant Classification Sherloc (09022015). Collection method: clinical testing. Allele origin: germline.
Comment: This variant results in the deletion of part of exon 10 (c.832_852+19del) of the CEP290 gene. It is expected to disrupt RNA splicing. Variants that disrupt the donor or acceptor splice site typically lead to a loss of protein function (PMID: 16199547), and loss-of-function variants in CEP290 are known to be pathogenic (PMID: 16909394, 17345604, 20690115). This variant is not present in population databases (gnomAD no frequency). This variant has not been reported in the literature in individuals affected with CEP290-related conditions. ClinVar contains an entry for this variant (Variation ID: 1066679). In summary, the currently available evidence indicates that the variant is pathogenic, but additional data are needed to prove that conclusively. Therefore, this variant has been classified as Likely Pathogenic.

Blueprint Genetics
Classification: Uncertain significance. Last evaluated: 2022-09-07. Review status: criteria provided, single submitter. Criteria: ACMG Guidelines, 2015. Collection method: clinical testing. Allele origin: germline.

Literature cited by the submitters: PubMed 16199547 (cited by Labcorp Genetics (formerly Invitae), Labcorp); PubMed 16909394 (cited by Labcorp Genetics (formerly Invitae), Labcorp); PubMed 17345604 (cited by Labcorp Genetics (formerly Invitae), Labcorp); PubMed 20690115 (cited by Labcorp Genetics (formerly Invitae), Labcorp).